The following is an entry in ClinVar:

ClinVar aggregate classification (germline): Uncertain significance (1 of 4 stars; one submission).

gnomAD v4.1: 46 of 1,613,700 alleles (0.0029%); highest among the groups gnomAD compares: South Asian, 0.041%; no homozygotes.

Submission:

Labcorp Genetics (formerly Invitae), Labcorp
Classification: Uncertain significance. Last evaluated: 2025-08-09. Review status: criteria provided, single submitter. Criteria: Invitae Variant Classification Sherloc (09022015). Collection method: clinical testing. Allele origin: germline.
Comment: This sequence change falls in intron 5 of the MICAL1 gene. It does not directly change the encoded amino acid sequence of the MICAL1 protein. It affects a nucleotide within the consensus splice site. This variant is present in population databases (rs775586356, gnomAD 0.03%). This variant has not been reported in the literature in individuals affected with MICAL1-related conditions. ClinVar contains an entry for this variant (Variation ID: 3625797). Variants that disrupt the consensus splice site are a relatively common cause of aberrant splicing (PMID: 17576681, 9536098). Algorithms developed to predict the effect of sequence changes on RNA splicing suggest that this variant is not likely to affect RNA splicing. In summary, the available evidence is currently insufficient to determine the role of this variant in disease. Therefore, it has been classified as a Variant of Uncertain Significance.

Literature cited by the submitters: PubMed 17576681; PubMed 9536098.

NM_022765.4(MICAL1):c.676+3G>A

Gene: MICAL1 (microtubule associated monooxygenase, calponin and LIM domain containing 1; minus strand). Cytogenetic location: 6q21.
Variant type: single nucleotide variant.
Coding change: c.676+3G>A on transcript NM_022765.4 (MANE Select); 3 bases into the intron after coding-DNA position 676, G replaced by A.
Molecular consequence: intron variant.
Genome position (GRCh38, 1-based): chr6:109,452,508, C>T on the plus strand (G>A on the coding strand, the complement: MICAL1 is on the minus strand). VCF-style: chr6-109452508-C-T. GRCh37 (hg19) VCF-style: chr6-109773711-C-T.
Other names: c.733+3G>A (NM_001286613.2); c.676+3G>A (NM_001159291.2).
Identifiers: ClinVar variation 3625797 (VCV003625797.2).
Genomic context (GRCh38, chr6:109,452,508, plus strand): 5'-CAATCTAGAAAGGCCCAGGATGTGCCAGAGATGCTGGCTTCTTTGAGGGAAGTGATCACT[C>T]ACCTTCAGGGACGAATTTACCTCCTGCAGCCGAGATAAGGACGTCAAATTCATAGTTGGC-3'